The following is an entry in ClinVar:

NM_006363.6(SEC23B):c.251C>T (p.Ala84Val)

Gene: SEC23B (SEC23 homolog B, COPII component; plus strand). Cytogenetic location: 20p11.23.
Variant type: single nucleotide variant.
Coding change: c.251C>T on transcript NM_006363.6 (MANE Select); coding-DNA position 251, C replaced by T.
Protein change: p.Ala84Val; replaces alanine 84 with valine.
Molecular consequence: missense variant.
Genome position (GRCh38, 1-based): chr20:18,512,254, C>T. VCF-style: chr20-18512254-C-T. GRCh37 (hg19) VCF-style: chr20-18492898-C-T.
Other names: c.251C>T, p.Ala84Val (NM_001172745.3, NM_001172746.3, NM_032985.6 and 1 more transcripts); short protein forms A84V.
Identifiers: ClinVar variation 2163866 (VCV002163866.3), dbSNP rs1281758933, ClinGen allele CA408356136.

ClinVar aggregate classification (germline): Uncertain significance (1 of 4 stars; one submission).

Conditions:
Congenital dyserythropoietic anemia, type II (CDAN2). Also called: DYSERYTHROPOIETIC ANEMIA, HEMPAS TYPE. Identifiers: Orphanet 98873, MedGen C1306589, MONDO:0009134, OMIM 224100.
Cowden syndrome 7 (CWS7). Identifiers: Orphanet 201, MedGen C4225179, MONDO:0014802, OMIM 616858.

Allele frequency attached by ClinVar (database versions not stated): gnomAD 0.00001; TOPMed 0.00001.
gnomAD v4.1: 7 of 1,591,634 alleles (0.00044%); highest among the groups gnomAD compares: Non-Finnish European, 0.0006%; no homozygotes.

Submission:

Labcorp Genetics (formerly Invitae), Labcorp
Classification: Uncertain significance for Congenital dyserythropoietic anemia, type II; Cowden syndrome 7. Last evaluated: 2024-10-16. Review status: criteria provided, single submitter. Criteria: Invitae Variant Classification Sherloc (09022015). Collection method: clinical testing. Allele origin: germline.
Comment: This sequence change replaces alanine, which is neutral and non-polar, with valine, which is neutral and non-polar, at codon 84 of the SEC23B protein (p.Ala84Val). This variant is present in population databases (no rsID available, gnomAD 0.002%). This variant has not been reported in the literature in individuals affected with SEC23B-related conditions. ClinVar contains an entry for this variant (Variation ID: 2163866). Invitae Evidence Modeling of protein sequence and biophysical properties (such as structural, functional, and spatial information, amino acid conservation, physicochemical variation, residue mobility, and thermodynamic stability) indicates that this missense variant is not expected to disrupt SEC23B protein function with a negative predictive value of 95%. In summary, the available evidence is currently insufficient to determine the role of this variant in disease. Therefore, it has been classified as a Variant of Uncertain Significance.